The following is an entry in ClinVar:

NM_006846.4(SPINK5):c.3165C>T (p.Thr1055=)

Gene: SPINK5 (serine peptidase inhibitor Kazal type 5; plus strand). Cytogenetic location: 5q32.
Variant type: single nucleotide variant.
Coding change: c.3165C>T on transcript NM_006846.4 (MANE Select); coding-DNA position 3165, C replaced by T.
Protein change: p.Thr1055=; no amino-acid change (threonine 1055 retained).
Molecular consequence: synonymous variant.
Genome position (GRCh38, 1-based): chr5:148,133,866, C>T. VCF-style: chr5-148133866-C-T. GRCh37 (hg19) VCF-style: chr5-147513429-C-T.
Other names: c.3255C>T, p.Thr1085= (NM_001127698.2).
Identifiers: ClinVar variation 1615398 (VCV001615398.12), dbSNP rs781766202, ClinGen allele CA3496264.

ClinVar aggregate classification (germline): Likely benign. Review status: criteria provided, multiple submitters, no conflicts (2 of 4 stars). 2 submissions from 2 submitters: Likely benign (2). Last evaluated 2026-02-01.

Conditions:
Ichthyosis linearis circumflexa. Identifiers: MedGen C0265962, MONDO:0043106, HP:0025810.

Allele frequency attached by ClinVar (database versions not stated): gnomAD exomes 0.00002; ExAC 0.00001; gnomAD 0.00001.
gnomAD v4.1: 19 of 1,613,848 alleles (0.0012%); highest among the groups gnomAD compares: Admixed American, 0.012%; no homozygotes.

Submissions (2):

CeGaT Center for Human Genetics Tuebingen
Classification: Likely benign. Last evaluated: 2026-02-01. Review status: criteria provided, single submitter. Criteria: CeGaT Center For Human Genetics Tuebingen Variant Classification Criteria Version 2. Collection method: clinical testing. Allele origin: germline. Affected: yes. Observed: 1 variant allele.
Comment: SPINK5: BP4, BP7

Labcorp Genetics (formerly Invitae), Labcorp
Classification: Likely benign for Ichthyosis linearis circumflexa. Last evaluated: 2026-01-22. Review status: criteria provided, single submitter. Criteria: Invitae Variant Classification Sherloc (09022015). Collection method: clinical testing. Allele origin: germline.